The following is an entry in ClinVar:

NM_000138.5(FBN1):c.7560G>A (p.Thr2520=)

Gene: FBN1 (fibrillin 1; minus strand). Cytogenetic location: 15q21.1.
Variant type: single nucleotide variant.
Coding change: c.7560G>A on transcript NM_000138.5 (MANE Select); coding-DNA position 7560, G replaced by A.
Protein change: p.Thr2520=; no amino-acid change (threonine 2520 retained).
Molecular consequence: synonymous variant.
Genome position (GRCh38, 1-based): chr15:48,421,962, C>T on the plus strand (G>A on the coding strand, the complement: FBN1 is on the minus strand). VCF-style: chr15-48421962-C-T. GRCh37 (hg19) VCF-style: chr15-48714159-C-T.
Other names: p.Thr2520=.
Identifiers: ClinVar variation 457263 (VCV000457263.60), dbSNP rs760425899, ClinGen allele CA058786.

ClinVar aggregate classification (germline): Conflicting classifications of pathogenicity. Review status: criteria provided, conflicting classifications (1 of 4 stars). 19 submissions from 14 submitters: Uncertain significance (6); Likely benign (10). 3 of the submissions do not count toward it. Last evaluated 2026-01-01.

Conditions:
Ectopia lentis 1, isolated, autosomal dominant (ECTOL1). Identifiers: Orphanet 1885, MedGen C3541518, MONDO:0007514, OMIM 129600.
FBN1-related disorder. Also called: FBN1-related disorders.
Marfan syndrome (MFS). Also called: MARFAN SYNDROME, TYPE I; Marfan's syndrome; Marfan syndrome, classic; Marfan syndrome type 1; FBN1-Related Marfan Syndrome. Identifiers: Orphanet 284963, Orphanet 558, MedGen C0024796, MONDO:0007947, OMIM 154700.
Weill-Marchesani syndrome. Also called: WM Syndrome; Mesodermal dysmorphodystrophy congenital. Identifiers: Orphanet 3449, MedGen C0265313, MONDO:0018096.
Familial thoracic aortic aneurysm and aortic dissection (TAAD). Also called: Thoracic aortic aneurysms and dissections. Identifiers: Orphanet 91387, MedGen C4707243, MONDO:0019625.
Acromicric dysplasia (ACMICD). Also called: Acromicric skeletal dysplasia. Identifiers: Orphanet 969, MedGen C0265287, MONDO:0007055, OMIM 102370.
Stiff skin syndrome (SSKS). Identifiers: Orphanet 2833, MedGen C1861456, MONDO:0008492, OMIM 184900.

Allele frequency attached by ClinVar (database versions not stated): TOPMed 0.00006; gnomAD exomes 0.00010 and 0.00013; gnomAD 0.00011; ExAC 0.00013.
gnomAD v4.1: 205 of 1,608,798 alleles (0.013%); highest among the groups gnomAD compares: Non-Finnish European, 0.017%; no homozygotes.

Submissions (19):

CeGaT Center for Human Genetics Tuebingen
Classification: Likely benign. Last evaluated: 2026-01-01. Review status: criteria provided, single submitter. Criteria: CeGaT Center For Human Genetics Tuebingen Variant Classification Criteria Version 2. Collection method: clinical testing. Allele origin: germline. Affected: yes. Observed: 4 variant alleles.
Comment: FBN1: BP4, BP7

Labcorp Genetics (formerly Invitae), Labcorp
Classification: Likely benign for Marfan syndrome; Familial thoracic aortic aneurysm and aortic dissection. Last evaluated: 2025-11-10. Review status: criteria provided, single submitter. Criteria: Invitae Variant Classification Sherloc (09022015). Collection method: clinical testing. Allele origin: germline.

Blueprint Genetics
Classification: Likely benign. Last evaluated: 2024-11-08. Review status: criteria provided, single submitter. Criteria: ACMG Guidelines, 2015. Collection method: clinical testing. Allele origin: germline.

Mayo Clinic Laboratories, Mayo Clinic
Classification: Likely benign. Last evaluated: 2024-10-11. Review status: criteria provided, single submitter. Criteria: ACMG Guidelines, 2015. Collection method: clinical testing. Allele origin: germline. Observed: 2 variant alleles.
Comment: BS1, BP4, BP7

All of Us Research Program, National Institutes of Health
Classification: Likely benign for Marfan syndrome. Last evaluated: 2024-02-05. Review status: criteria provided, single submitter. Criteria: ACMG Guidelines, 2015. Collection method: clinical testing. Allele origin: germline. Inheritance: Autosomal dominant inheritance. Observed: 30 variant alleles, 30 heterozygotes.
Comment: This study involves interpretation of variants in research participants for the purpose of population health screening. Participant phenotype was not available at the time of variant classification. Additional details can be found in publication PMID: 35346344, PMCID: PMC8962531

Women's Health and Genetics/Laboratory Corporation of America, LabCorp
Classification: Likely benign. Last evaluated: 2022-07-02. Review status: criteria provided, single submitter. Criteria: LabCorp Variant Classification Summary - May 2015. Collection method: clinical testing. Allele origin: germline.

Ambry Genetics
Classification: Likely benign for Familial thoracic aortic aneurysm and aortic dissection. Last evaluated: 2022-06-02. Review status: criteria provided, single submitter. Criteria: Ambry Variant Classification Scheme 2023. Collection method: clinical testing. Allele origin: germline.

CHEO Genetics Diagnostic Laboratory, Children's Hospital of Eastern Ontario
Classification: Likely benign for Familial thoracic aortic aneurysm and aortic dissection. Last evaluated: 2021-03-31. Review status: criteria provided, single submitter. Criteria: ACMG Guidelines, 2015. Collection method: clinical testing. Allele origin: germline.

Color Diagnostics, LLC DBA Color Health
Classification: Likely benign for Familial thoracic aortic aneurysm and aortic dissection. Last evaluated: 2018-10-02. Review status: criteria provided, single submitter. Criteria: ACMG Guidelines, 2015. Collection method: clinical testing. Allele origin: germline.

GeneDx
Classification: Likely benign. Last evaluated: 2017-12-12. Review status: criteria provided, single submitter. Criteria: GeneDx Variant Classification (06012015). Collection method: clinical testing. Allele origin: germline. Affected: yes.
Comment: This variant is considered likely benign or benign based on one or more of the following criteria: it is a conservative change, it occurs at a poorly conserved position in the protein, it is predicted to be benign by multiple in silico algorithms, and/or has population frequency not consistent with disease.

Illumina Laboratory Services, Illumina
Classification: Uncertain significance for Stiff skin syndrome. Last evaluated: 2017-04-27. Review status: criteria provided, single submitter. Criteria: ICSL Variant Classification Criteria 13 December 2019. Collection method: clinical testing. Allele origin: germline.

Illumina Laboratory Services, Illumina
Classification: Uncertain significance for Familial thoracic aortic aneurysm and aortic dissection. Last evaluated: 2017-04-27. Review status: criteria provided, single submitter. Criteria: ICSL Variant Classification Criteria 13 December 2019. Collection method: clinical testing. Allele origin: germline.

Illumina Laboratory Services, Illumina
Classification: Uncertain significance for Marfan syndrome. Last evaluated: 2017-04-27. Review status: criteria provided, single submitter. Criteria: ICSL Variant Classification Criteria 13 December 2019. Collection method: clinical testing. Allele origin: germline.

Illumina Laboratory Services, Illumina
Classification: Uncertain significance for Ectopia lentis 1, isolated, autosomal dominant. Last evaluated: 2017-04-27. Review status: criteria provided, single submitter. Criteria: ICSL Variant Classification Criteria 13 December 2019. Collection method: clinical testing. Allele origin: germline.

Illumina Laboratory Services, Illumina
Classification: Uncertain significance for Weill-Marchesani syndrome. Last evaluated: 2017-04-27. Review status: criteria provided, single submitter. Criteria: ICSL Variant Classification Criteria 13 December 2019. Collection method: clinical testing. Allele origin: germline.

Illumina Laboratory Services, Illumina
Classification: Uncertain significance for Acromicric dysplasia. Last evaluated: 2017-04-27. Review status: criteria provided, single submitter. Criteria: ICSL Variant Classification Criteria 13 December 2019. Collection method: clinical testing. Allele origin: germline.

PreventionGenetics, part of Exact Sciences
Classification: Likely benign for FBN1-related condition. Last evaluated: 2021-01-14. Review status: no assertion criteria provided. Collection method: clinical testing. Allele origin: germline. Not counted in ClinVar's aggregate classification.
Comment: This variant is classified as likely benign based on ACMG/AMP sequence variant interpretation guidelines (Richards et al. 2015 PMID: 25741868, with internal and published modifications).

Clinical Genetics DNA and cytogenetics Diagnostics Lab, Erasmus MC, Erasmus Medical Center
Classification: Likely benign. Review status: no assertion criteria provided. Collection method: clinical testing. Allele origin: germline. Affected: yes. Study: VKGL Data-share Consensus. Not counted in ClinVar's aggregate classification.

Genome Diagnostics Laboratory, Amsterdam University Medical Center
Classification: Likely benign. Review status: no assertion criteria provided. Collection method: clinical testing. Allele origin: germline. Affected: yes. Study: VKGL Data-share Consensus. Not counted in ClinVar's aggregate classification.